The following is an entry in ClinVar:

ClinVar aggregate classification (germline): Benign. Review status: criteria provided, multiple submitters, no conflicts (2 of 4 stars). 2 submissions from 2 submitters: Benign (2). Last evaluated 2023-11-12.

Submissions (2):

Unidad de Genómica Garrahan, Hospital de Pediatría Garrahan
Classification: Benign. Last evaluated: 2023-11-12. Review status: criteria provided, single submitter. Criteria: ACMG Guidelines, 2015. Collection method: clinical testing. Allele origin: germline. Affected: no. Observed: 68 variant alleles.
Comment: This variant is classified as Benign based on local population frequency. This variant was detected in 71% of patients studied by a panel of primary immunodeficiencies. Number of patients: 68. Only high quality variants are reported.

GeneDx
Classification: Benign. Last evaluated: 2019-08-13. Review status: criteria provided, single submitter. Criteria: GeneDx Variant Classification Process June 2021. Collection method: clinical testing. Allele origin: germline. Affected: yes.

NM_003331.5(TYK2):c.465+135del

Gene: TYK2 (tyrosine kinase 2; minus strand). Cytogenetic location: 19p13.2.
Variant type: Deletion.
Coding change: c.465+135del on transcript NM_003331.5 (MANE Select); 135 bases into the intron after coding-DNA position 465, one base deleted (T; older notation c.465+135delT).
Molecular consequence: intron variant.
Genome position (GRCh38, 1-based): chr19:10,367,920, A deleted on the plus strand (T on the coding strand, the reverse complement: TYK2 is on the minus strand); the first of 14 consecutive A bases (chr19:10,367,920-10,367,933); deleting any one gives the same sequence. VCF-style (leftmost placement, unchanged base first): chr19-10367919-CA-C. GRCh37 (hg19) VCF-style: chr19-10478595-CA-C.
Other names: c.465+135del (NM_001385199.1, NM_001385205.1, NM_001385201.1 and 8 more transcripts).
Identifiers: ClinVar variation 1182596 (VCV001182596.4), dbSNP rs34301809, ClinGen allele CA305209146.